The following is an entry in ClinVar:

NC_000009.11:g.(?_98220285)_(98222075_?)del

Gene: PTCH1 (patched 1; minus strand). Cytogenetic location: 9q22.32.
Variant type: Deletion.
Identifiers: ClinVar variation 3245047 (VCV003245047.1).

ClinVar aggregate classification (germline): Pathogenic (1 of 4 stars; one submission).

Conditions:
Gorlin syndrome. Also called: Basal cell nevus syndrome; Nevoid Basal Cell Carcinoma Syndrome. Identifiers: Orphanet 377, MedGen C0004779, MONDO:0007187.

Submission:

Labcorp Genetics (formerly Invitae), Labcorp
Classification: Pathogenic for Gorlin syndrome. Last evaluated: 2023-04-06. Review status: criteria provided, single submitter. Criteria: Invitae Variant Classification Sherloc (09022015). Collection method: clinical testing. Allele origin: unknown.
Comment: For these reasons, this variant has been classified as Pathogenic. This variant disrupts a region of the PTCH1 protein in which other variant(s) (p.Gln1020_Leu1029del) have been determined to be pathogenic (Invitae). This suggests that this is a clinically significant region of the protein, and that variants that disrupt it are likely to be disease-causing. This variant has not been reported in the literature in individuals affected with PTCH1-related conditions. This variant is a gross deletion of the genomic region encompassing exon(s) 17-18 of the PTCH1 gene. This variant would be expected to be in-frame, preserving the integrity of the reading frame.